The following is an entry in ClinVar:

NM_000179.3(MSH6):c.2446C>G (p.Pro816Ala)

Gene: MSH6 (mutS homolog 6; plus strand). Cytogenetic location: 2p16.3.
Variant type: single nucleotide variant.
Coding change: c.2446C>G on transcript NM_000179.3 (MANE Select); coding-DNA position 2446, C replaced by G.
Protein change: p.Pro816Ala; replaces proline 816 with alanine.
Molecular consequence: missense variant.
Genome position (GRCh38, 1-based): chr2:47,800,429, C>G. VCF-style: chr2-47800429-C-G. GRCh37 (hg19) VCF-style: chr2-48027568-C-G.
Other names: c.2056C>G, p.Pro686Ala (NM_001281492.2); c.1540C>G, p.Pro514Ala (NM_001281493.2, NM_001281494.2); short protein forms P816A, P514A, P686A.
Identifiers: ClinVar variation 525761 (VCV000525761.10), dbSNP rs1553413803, ClinGen allele CA346754059.
Genomic context (GRCh38, chr2:47,800,429, plus strand): 5'-GAAGACCTCATGGTTGTGCCTGACAAAATCTCCGAAGTTGTAGAGCTTCTAAAGAAGCTT[C>G]CAGATCTTGAGAGGCTACTCAGTAAAATTCATAATGTTGGGTCTCCCCTGAAGAGTCAGA-3'
Protein context (NP_000170.1, residues 806-826): SEVVELLKKL[Pro816Ala]DLERLLSKIH

ClinVar aggregate classification (germline): Uncertain significance. Review status: criteria provided, multiple submitters, no conflicts (2 of 4 stars). 2 submissions from 2 submitters: Uncertain significance (2). Last evaluated 2025-11-26.

Conditions:
Hereditary nonpolyposis colorectal neoplasms. Identifiers: MedGen C0009405, MeSH D003123.
Hereditary cancer-predisposing syndrome. Also called: Neoplastic Syndromes, Hereditary; Tumor predisposition; Hereditary Cancer Syndrome; Hereditary neoplastic syndrome. Identifiers: Orphanet 140162, MedGen C0027672, MeSH D009386, MONDO:0015356.

Allele frequency attached by ClinVar (database versions not stated): TOPMed below 0.00001.

Submissions (2):

Labcorp Genetics (formerly Invitae), Labcorp
Classification: Uncertain significance for Hereditary nonpolyposis colorectal neoplasms. Last evaluated: 2025-11-26. Review status: criteria provided, single submitter. Criteria: Invitae Variant Classification Sherloc (09022015). Collection method: clinical testing. Allele origin: germline.
Comment: This sequence change replaces proline, which is neutral and non-polar, with alanine, which is neutral and non-polar, at codon 816 of the MSH6 protein (p.Pro816Ala). This variant is not present in population databases (gnomAD no frequency). This variant has not been reported in the literature in individuals affected with MSH6-related conditions. ClinVar contains an entry for this variant (Variation ID: 525761). Invitae Evidence Modeling of protein sequence and biophysical properties (such as structural, functional, and spatial information, amino acid conservation, physicochemical variation, residue mobility, and thermodynamic stability) has been performed for this missense variant. However, the output from this modeling did not meet the statistical confidence thresholds required to predict the impact of this variant on MSH6 protein function. In summary, the available evidence is currently insufficient to determine the role of this variant in disease. Therefore, it has been classified as a Variant of Uncertain Significance.

Ambry Genetics
Classification: Uncertain significance for Hereditary cancer-predisposing syndrome. Last evaluated: 2024-03-22. Review status: criteria provided, single submitter. Criteria: Ambry Variant Classification Scheme 2023. Collection method: clinical testing. Allele origin: germline.
Comment: The p.P816A variant (also known as c.2446C>G), located in coding exon 4 of the MSH6 gene, results from a C to G substitution at nucleotide position 2446. The proline at codon 816 is replaced by alanine, an amino acid with highly similar properties. This amino acid position is highly conserved in available vertebrate species. In addition, this alteration is predicted to be deleterious by in silico analysis. Since supporting evidence is limited at this time, the clinical significance of this alteration remains unclear.